The following is an entry in ClinVar:

NC_012920.1(MT-ND4):m.11039C>T

Gene: MT-ND4 (mitochondrially encoded NADH dehydrogenase 4; plus strand).
Variant type: single nucleotide variant.
Genome position: chrM-11039-C-T.
Identifiers: ClinVar variation 693336 (VCV000693336.1), dbSNP rs1603223071, ClinGen allele CA414809329.
Genomic context (GRCh38, chrMT:11,039, plus strand): 5'-CCCCTCACAATCATGGCAAGCCAACGCCACTTATCCAGTGAACCACTATCACGAAAAAAA[C>T]TCTACCTCTCTATACTAATCTCCCTACAAATCTCCTTAATTATAACATTCACAGCCACAG-3'

ClinVar aggregate classification (germline): Likely benign (1 of 4 stars; one submission).

Conditions:
Leigh syndrome (NULS). Also called: Leigh's necrotizing encephalopathy; Leigh's disease; Leigh Syndrome (mtDNA deletion); Leigh Disease; Subacute necrotizing encephalopathy; Necrotizing encephalopathy infantile subacute of Leigh. Identifiers: Orphanet 506, MedGen C2931891, MONDO:0009723, OMIM 256000.

Submission:

Wong Mito Lab, Molecular and Human Genetics, Baylor College of Medicine
Classification: Likely benign for Leigh syndrome. Last evaluated: 2019-10-17. Review status: criteria provided, single submitter. Criteria: Modified ACMG Guidelines (Unpublished). Collection method: clinical testing. Allele origin: germline.
Comment: The NC_012920.1:m.11039C>T (YP_003024035.1:p.Leu94Phe) variant in MTND4 gene is interpretated to be a Likely Benign variant based on the modified ACMG guidelines (unpublished). This variant meets the following evidence codes: BS4, BP4, BP6